The following is an entry in ClinVar:

NM_000258.3(MYL3):c.251G>C (p.Gly84Ala)

Gene: MYL3 (myosin light chain 3; minus strand). Cytogenetic location: 3p21.31.
Variant type: single nucleotide variant.
Coding change: c.251G>C on transcript NM_000258.3 (MANE Select); coding-DNA position 251, G replaced by C.
Protein change: p.Gly84Ala; replaces glycine 84 with alanine.
Molecular consequence: missense variant.
Genome position (GRCh38, 1-based): chr3:46,860,732, C>G on the plus strand (G>C on the coding strand, the complement: MYL3 is on the minus strand). VCF-style: chr3-46860732-C-G. GRCh37 (hg19) VCF-style: chr3-46902222-C-G.
Other names: short protein forms G84A.
Identifiers: ClinVar variation 1498202 (VCV001498202.8), dbSNP rs1701983148, ClinGen allele CA352498108.
Genomic context (GRCh38, chr3:46,860,732, plus strand): 5'-CTACCTTCCTGTCTTGGCTTCCCCAGGACACGGAGCACTTCTGCCTGTGTGGGGTTCTGG[C>G]CCAGCGCCCGCAGGACATCCCCACACTGCCCGTAGGTGATCTTCATCTCACACTTGGGTG-3'
Protein context (NP_000249.1, residues 74-94): GQCGDVLRAL[Gly84Ala]QNPTQAEVLR

ClinVar aggregate classification (germline): Uncertain significance (1 of 4 stars; one submission).

Conditions:
Hypertrophic cardiomyopathy. Also called: HYPERTROPHIC MYOCARDIOPATHY. Identifiers: Orphanet 217569, MedGen C0007194, MeSH D002312, MONDO:0005045, HP:0001639.

Submission:

Labcorp Genetics (formerly Invitae), Labcorp
Classification: Uncertain significance for Hypertrophic cardiomyopathy. Last evaluated: 2023-10-06. Review status: criteria provided, single submitter. Criteria: Invitae Variant Classification Sherloc (09022015). Collection method: clinical testing. Allele origin: germline.
Comment: This sequence change replaces glycine, which is neutral and non-polar, with alanine, which is neutral and non-polar, at codon 84 of the MYL3 protein (p.Gly84Ala). This variant is not present in population databases (gnomAD no frequency). This variant has not been reported in the literature in individuals affected with MYL3-related conditions. ClinVar contains an entry for this variant (Variation ID: 1498202). An algorithm developed to predict the effect of missense changes on protein structure and function (PolyPhen-2) suggests that this variant is likely to be disruptive. In summary, the available evidence is currently insufficient to determine the role of this variant in disease. Therefore, it has been classified as a Variant of Uncertain Significance.